The following is an entry in ClinVar:

NM_032444.4(SLX4):c.5110G>T (p.Ala1704Ser)

Gene: SLX4 (SLX4 structure-specific endonuclease subunit; minus strand). Cytogenetic location: 16p13.3.
Variant type: single nucleotide variant.
Coding change: c.5110G>T on transcript NM_032444.4 (MANE Select); coding-DNA position 5110, G replaced by T.
Protein change: p.Ala1704Ser; replaces alanine 1704 with serine.
Molecular consequence: missense variant.
Genome position (GRCh38, 1-based): chr16:3,583,140, C>A on the plus strand (G>T on the coding strand, the complement: SLX4 is on the minus strand). VCF-style: chr16-3583140-C-A. GRCh37 (hg19) VCF-style: chr16-3633141-C-A.
Other names: short protein forms A1704S.
Identifiers: ClinVar variation 2038495 (VCV002038495.4), dbSNP rs925871189, ClinGen allele CA276952559.

ClinVar aggregate classification (germline): Uncertain significance. Review status: criteria provided, multiple submitters, no conflicts (2 of 4 stars). 2 submissions from 2 submitters: Uncertain significance (2). Last evaluated 2024-11-16.

Conditions:
Fanconi anemia (FA). Also called: Fanconi's anemia. Identifiers: Orphanet 84, MedGen C0015625, MeSH D005199, MONDO:0019391.
Fanconi anemia complementation group P. Also called: SLX4-Related Fanconi Anemia. Identifiers: Orphanet 84, MedGen C3469542, MONDO:0013499, OMIM 613951.

Allele frequency attached by ClinVar (database versions not stated): TOPMed below 0.00001; gnomAD 0.00001.
gnomAD v4.1: 2 of 1,614,124 alleles (0.00012%); highest among the groups gnomAD compares: Admixed American, 0.0033%; no homozygotes.

Submissions (2):

Labcorp Genetics (formerly Invitae), Labcorp
Classification: Uncertain significance for Fanconi anemia. Last evaluated: 2024-11-16. Review status: criteria provided, single submitter. Criteria: Invitae Variant Classification Sherloc (09022015). Collection method: clinical testing. Allele origin: germline.
Comment: This sequence change replaces alanine, which is neutral and non-polar, with serine, which is neutral and polar, at codon 1704 of the SLX4 protein (p.Ala1704Ser). This variant is not present in population databases (gnomAD no frequency). This variant has not been reported in the literature in individuals affected with SLX4-related conditions. ClinVar contains an entry for this variant (Variation ID: 2038495). An algorithm developed to predict the effect of missense changes on protein structure and function (PolyPhen-2) suggests that this variant is likely to be tolerated. In summary, the available evidence is currently insufficient to determine the role of this variant in disease. Therefore, it has been classified as a Variant of Uncertain Significance.

Fulgent Genetics
Classification: Uncertain significance for Fanconi anemia complementation group P. Last evaluated: 2024-06-18. Review status: criteria provided, single submitter. Criteria: ACMG Guidelines, 2015. Collection method: clinical testing. Allele origin: germline.